The following is an entry in ClinVar:

NM_000540.3(RYR1):c.10422C>T (p.Asn3474=)

Gene: RYR1 (ryanodine receptor 1; plus strand). Cytogenetic location: 19q13.2.
Variant type: single nucleotide variant.
Coding change: c.10422C>T on transcript NM_000540.3 (MANE Select); coding-DNA position 10422, C replaced by T.
Protein change: p.Asn3474=; no amino-acid change (asparagine 3474 retained).
Molecular consequence: synonymous variant.
Genome position (GRCh38, 1-based): chr19:38,523,291, C>T. VCF-style: chr19-38523291-C-T. GRCh37 (hg19) VCF-style: chr19-39013931-C-T.
Other names: c.10422C>T, p.Asn3474= (NM_001042723.2).
Identifiers: ClinVar variation 3074771 (VCV003074771.1), dbSNP rs769661588, ClinGen allele CA507247669.
Genomic context (GRCh38, chr19:38,523,291, plus strand): 5'-GGAGCAGAACTTTGTGGTCCAGAATGAGATCAACAACATGTCCTTCCTGACTGCTGACAA[C>T]AAAAGCAAAATGGCTAAGGTCGGGGCTTGGTTCTGGGAGGAGCACTTGGCAGAGAGGGCG-3'
Protein context (NP_000531.2, residues 3464-3484): INNMSFLTAD[Asn3474=]KSKMAKAGDI

ClinVar aggregate classification (germline): Likely benign (1 of 4 stars; one submission).

Conditions:
Malignant hyperthermia, susceptibility to, 1 (MHS1). Also called: Anesthesia related hyperthermia; Malignant hyperpyrexia; Fulminating hyperpyrexia; Pharmacogenic myopathy; RYR1-Related Malignant Hyperthermia Susceptibility; Malignant hyperthermia suceptibility 1. Identifiers: Orphanet 423, MedGen C2930980, MONDO:0007783, OMIM 145600.

gnomAD v4.1: 1 of 1,614,226 alleles (0.000062%); highest among the groups gnomAD compares: South Asian, 0.0011%; no homozygotes.

Submission:

All of Us Research Program, National Institutes of Health
Classification: Likely benign for Malignant hyperthermia, susceptibility to, 1. Last evaluated: 2023-12-13. Review status: criteria provided, single submitter. Criteria: ACMG Guidelines, 2015. Collection method: clinical testing. Allele origin: germline. Inheritance: Autosomal dominant inheritance. Observed: 1 variant allele, 1 heterozygote.
Comment: This study involves interpretation of variants in research participants for the purpose of population health screening. Participant phenotype was not available at the time of variant classification. Additional details can be found in publication PMID: 35346344, PMCID: PMC8962531